The following is an entry in ClinVar:

NM_014679.5(CEP57):c.1160A>C (p.Glu387Ala)

Gene: CEP57 (centrosomal protein 57; plus strand). Cytogenetic location: 11q21.
Variant type: single nucleotide variant.
Coding change: c.1160A>C on transcript NM_014679.5 (MANE Select); coding-DNA position 1160, A replaced by C.
Protein change: p.Glu387Ala; replaces glutamic acid 387 with alanine.
Molecular consequence: missense variant.
Genome position (GRCh38, 1-based): chr11:95,829,219, A>C. VCF-style: chr11-95829219-A-C. GRCh37 (hg19) VCF-style: chr11-95562383-A-C.
Other names: c.1133A>C, p.Glu378Ala (NM_001243776.2); c.1082A>C, p.Glu361Ala (NM_001243777.2); c.1079A>C, p.Glu360Ala (NM_001363604.2); short protein forms E387A, E378A, E361A, E360A.
Identifiers: ClinVar variation 577240 (VCV000577240.11), dbSNP rs749225516, ClinGen allele CA6239722.

ClinVar aggregate classification (germline): Uncertain significance. Review status: criteria provided, multiple submitters, no conflicts (2 of 4 stars). 2 submissions from 2 submitters: Uncertain significance (2). Last evaluated 2024-11-17.

Conditions:
Mosaic variegated aneuploidy syndrome 2 (MVA2). Identifiers: Orphanet 1052, MedGen C3279843, MONDO:0013582, OMIM 614114.
Inborn genetic diseases. Identifiers: MedGen C0950123, MeSH D030342.

Allele frequency attached by ClinVar (database versions not stated): TOPMed below 0.00001; gnomAD 0.00001.
gnomAD v4.1: 19 of 1,613,940 alleles (0.0012%); highest among the groups gnomAD compares: Non-Finnish European, 0.0015%; no homozygotes.

Submissions (2):

Ambry Genetics
Classification: Uncertain significance for Inborn genetic diseases. Last evaluated: 2024-11-17. Review status: criteria provided, single submitter. Criteria: Ambry Variant Classification Scheme 2023. Collection method: clinical testing. Allele origin: germline.
Comment: The p.E387A variant (also known as c.1160A>C), located in coding exon 10 of the CEP57 gene, results from an A to C substitution at nucleotide position 1160. The glutamic acid at codon 387 is replaced by alanine, an amino acid with dissimilar properties. This amino acid position is conserved. In addition, this alteration is predicted to be tolerated by in silico analysis. Based on the available evidence, the clinical significance of this variant remains unclear.

Labcorp Genetics (formerly Invitae), Labcorp
Classification: Uncertain significance for Mosaic variegated aneuploidy syndrome 2. Last evaluated: 2024-06-05. Review status: criteria provided, single submitter. Criteria: Invitae Variant Classification Sherloc (09022015). Collection method: clinical testing. Allele origin: germline.
Comment: This sequence change replaces glutamic acid, which is acidic and polar, with alanine, which is neutral and non-polar, at codon 387 of the CEP57 protein (p.Glu387Ala). This variant is present in population databases (rs749225516, gnomAD 0.007%). This variant has not been reported in the literature in individuals affected with CEP57-related conditions. ClinVar contains an entry for this variant (Variation ID: 577240). Advanced modeling of protein sequence and biophysical properties (such as structural, functional, and spatial information, amino acid conservation, physicochemical variation, residue mobility, and thermodynamic stability) performed at Invitae indicates that this missense variant is not expected to disrupt CEP57 protein function with a negative predictive value of 80%. In summary, the available evidence is currently insufficient to determine the role of this variant in disease. Therefore, it has been classified as a Variant of Uncertain Significance.